The following is an entry in ClinVar:

ClinVar aggregate classification (germline): Uncertain significance (1 of 4 stars; one submission).

Conditions:
Epileptic encephalopathy. Identifiers: MedGen C0543888, HP:0200134.

Allele frequency attached by ClinVar (database versions not stated): gnomAD exomes 0.00001; TOPMed 0.00001; ExAC 0.00005.
gnomAD v4.1: 7 of 1,550,588 alleles (0.00045%); highest among the groups gnomAD compares: South Asian, 0.0012%; no homozygotes.

Submission:

Labcorp Genetics (formerly Invitae), Labcorp
Classification: Uncertain significance for Epileptic encephalopathy. Last evaluated: 2023-05-22. Review status: criteria provided, single submitter. Criteria: Invitae Variant Classification Sherloc (09022015). Collection method: clinical testing. Allele origin: germline.
Comment: In summary, the available evidence is currently insufficient to determine the role of this variant in disease. Therefore, it has been classified as a Variant of Uncertain Significance. Advanced modeling of protein sequence and biophysical properties (such as structural, functional, and spatial information, amino acid conservation, physicochemical variation, residue mobility, and thermodynamic stability) performed at Invitae indicates that this missense variant is not expected to disrupt RYR3 protein function. ClinVar contains an entry for this variant (Variation ID: 933714). This variant has not been reported in the literature in individuals affected with RYR3-related conditions. The frequency data for this variant in the population databases is considered unreliable, as metrics indicate poor data quality at this position in the gnomAD database. This sequence change replaces alanine, which is neutral and non-polar, with threonine, which is neutral and polar, at codon 1467 of the RYR3 protein (p.Ala1467Thr).

NM_001036.6(RYR3):c.4399G>A (p.Ala1467Thr)

Gene: RYR3 (ryanodine receptor 3; plus strand). Cytogenetic location: 15q14.
Variant type: single nucleotide variant.
Coding change: c.4399G>A on transcript NM_001036.6 (MANE Select); coding-DNA position 4399, G replaced by A.
Protein change: p.Ala1467Thr; replaces alanine 1467 with threonine.
Molecular consequence: missense variant.
Genome position (GRCh38, 1-based): chr15:33,660,200, G>A. VCF-style: chr15-33660200-G-A. GRCh37 (hg19) VCF-style: chr15-33952401-G-A.
Other names: c.4399G>A, p.Ala1467Thr (NM_001243996.4); short protein forms A1467T.
Identifiers: ClinVar variation 933714 (VCV000933714.7), dbSNP rs748230905, ClinGen allele CA7459004.